The following is an entry in ClinVar:

ClinVar aggregate classification (germline): Uncertain significance (1 of 4 stars; one submission).

Conditions:
Werner syndrome (WRN). Identifiers: Orphanet 902, MedGen C0043119, MONDO:0010196, OMIM 277700.

Submission:

Labcorp Genetics (formerly Invitae), Labcorp
Classification: Uncertain significance for Werner syndrome. Last evaluated: 2022-02-05. Review status: criteria provided, single submitter. Criteria: Invitae Variant Classification Sherloc (09022015). Collection method: clinical testing. Allele origin: germline.
Comment: In summary, the available evidence is currently insufficient to determine the role of this variant in disease. Therefore, it has been classified as a Variant of Uncertain Significance. Algorithms developed to predict the effect of missense changes on protein structure and function output the following: SIFT: "Not Available"; PolyPhen-2: "Benign"; Align-GVGD: "Not Available". The serine amino acid residue is found in multiple mammalian species, which suggests that this missense change does not adversely affect protein function. This variant has not been reported in the literature in individuals affected with WRN-related conditions. This variant is not present in population databases (gnomAD no frequency). This sequence change replaces threonine, which is neutral and polar, with serine, which is neutral and polar, at codon 1396 of the WRN protein (p.Thr1396Ser).

NM_000553.6(WRN):c.4186A>T (p.Thr1396Ser)

Gene: WRN (WRN RecQ like helicase; plus strand). Cytogenetic location: 8p12.
Variant type: single nucleotide variant.
Coding change: c.4186A>T on transcript NM_000553.6 (MANE Select); coding-DNA position 4186, A replaced by T.
Protein change: p.Thr1396Ser; replaces threonine 1396 with serine.
Molecular consequence: missense variant.
Genome position (GRCh38, 1-based): chr8:31,167,225, A>T. VCF-style: chr8-31167225-A-T. GRCh37 (hg19) VCF-style: chr8-31024741-A-T.
Other names: short protein forms T1396S.
Identifiers: ClinVar variation 2093481 (VCV002093481.4), dbSNP rs2536081846, ClinGen allele CA370910126.
Genomic context (GRCh38, chr8:31,167,225, plus strand): 5'-CCCGGTTCTGAAGAGATCTGTTCAAGTTCTAAGAGAAGCAAGGAAGAAGTAGGCATCAAT[A>T]CTGAGGTATTAATTATATATAGAATTTTCATAAAGTGTCAGTTTGTTCAATTTGCATATC-3'
Protein context (NP_000544.2, residues 1386-1406): KRSKEEVGIN[Thr1396Ser]ETSSAERKRR